The following is an entry in ClinVar:

NM_006755.2(TALDO1):c.191A>C (p.Glu64Ala)

Gene: TALDO1 (transaldolase 1; plus strand). Cytogenetic location: 11p15.5.
Variant type: single nucleotide variant.
Coding change: c.191A>C on transcript NM_006755.2 (MANE Select); coding-DNA position 191, A replaced by C.
Protein change: p.Glu64Ala; replaces glutamic acid 64 with alanine.
Molecular consequence: missense variant.
Genome position (GRCh38, 1-based): chr11:755,972, A>C. VCF-style: chr11-755972-A-C. GRCh37 (hg19) VCF-style: chr11-755972-A-C.
Other names: c.191A>C (NM_006755.1); short protein forms E64A.
Identifiers: ClinVar variation 2052955 (VCV002052955.3), dbSNP rs376926927, ClinGen allele CA5788035.

ClinVar aggregate classification (germline): Uncertain significance. Review status: criteria provided, multiple submitters, no conflicts (2 of 4 stars). 3 submissions from 3 submitters: Uncertain significance (3). Last evaluated 2025-11-13.

Conditions:
Inborn genetic diseases. Identifiers: MedGen C0950123, MeSH D030342.

Allele frequency attached by ClinVar (database versions not stated): gnomAD exomes 0.00003; ExAC 0.00006; ESP Exome Variant Server 0.00008; TOPMed 0.00014; gnomAD 0.00016.
gnomAD v4.1: 66 of 1,613,750 alleles (0.0041%); highest among the groups gnomAD compares: Admixed American, 0.042%; 1 homozygote.

Submissions (3):

Ambry Genetics
Classification: Uncertain significance for Inborn genetic diseases. Last evaluated: 2025-11-13. Review status: criteria provided, single submitter. Criteria: Ambry Variant Classification Scheme 2023. Collection method: clinical testing. Allele origin: germline.

Blueprint Genetics
Classification: Uncertain significance. Last evaluated: 2024-01-02. Review status: criteria provided, single submitter. Criteria: ACMG Guidelines, 2015. Collection method: clinical testing. Allele origin: germline.

Labcorp Genetics (formerly Invitae), Labcorp
Classification: Uncertain significance. Last evaluated: 2022-07-05. Review status: criteria provided, single submitter. Criteria: Invitae Variant Classification Sherloc (09022015). Collection method: clinical testing. Allele origin: germline.
Comment: This sequence change replaces glutamic acid, which is acidic and polar, with alanine, which is neutral and non-polar, at codon 64 of the TALDO1 protein (p.Glu64Ala). This variant is present in population databases (rs376926927, gnomAD 0.03%). This variant has not been reported in the literature in individuals affected with TALDO1-related conditions. Algorithms developed to predict the effect of missense changes on protein structure and function (SIFT, PolyPhen-2, Align-GVGD) all suggest that this variant is likely to be tolerated. In summary, the available evidence is currently insufficient to determine the role of this variant in disease. Therefore, it has been classified as a Variant of Uncertain Significance.